The following is an entry in ClinVar:

NM_003079.5(SMARCE1):c.1172G>A (p.Ser391Asn)

Gene: SMARCE1 (SWI/SNF related BAF chromatin remodeling complex subunit E1; minus strand). Cytogenetic location: 17q21.2.
Variant type: single nucleotide variant.
Coding change: c.1172G>A on transcript NM_003079.5 (MANE Select); coding-DNA position 1172, G replaced by A.
Protein change: p.Ser391Asn; replaces serine 391 with asparagine.
Molecular consequence: missense variant.
Genome position (GRCh38, 1-based): chr17:40,628,849, C>T on the plus strand (G>A on the coding strand, the complement: SMARCE1 is on the minus strand). VCF-style: chr17-40628849-C-T. GRCh37 (hg19) VCF-style: chr17-38785101-C-T.
Other names: c.1172G>A (NM_003079.4); short protein forms S391N.
Identifiers: ClinVar variation 1414631 (VCV001414631.9), dbSNP rs1298633600, ClinGen allele CA399361023.
Genomic context (GRCh38, chr17:40,628,849, plus strand): 5'-TCTTTTTTCTCATCTTCTGGTATGGGATCTGTTGGTGGCTCCTCCACTGTTGCACTGTTG[C>T]TCTCCGAGCCAGTGTTACTATCACTGGTTCCTTCCTCTGCCATACTGTCGACCCCCTCCT-3'
Protein context (NP_003070.3, residues 381-401): GTSDSNTGSE[Ser391Asn]NSATVEEPPT

ClinVar aggregate classification (germline): Uncertain significance. Review status: criteria provided, multiple submitters, no conflicts (2 of 4 stars). 2 submissions from 2 submitters: Uncertain significance (2). Last evaluated 2025-12-23.

Conditions:
Familial meningioma. Also called: Meningioma, familial, susceptibility to. Identifiers: Orphanet 263662, MedGen C3551915, MONDO:0011789, OMIM 607174.
Hereditary cancer-predisposing syndrome. Also called: Hereditary Cancer Syndrome; Tumor predisposition; Hereditary neoplastic syndrome; Neoplastic Syndromes, Hereditary. Identifiers: Orphanet 140162, MedGen C0027672, MeSH D009386, MONDO:0015356.

Allele frequency attached by ClinVar (database versions not stated): gnomAD exomes below 0.00001 and 0.00001.
gnomAD v4.1: 3 of 1,613,858 alleles (0.00019%); highest among the groups gnomAD compares: Non-Finnish European, 0.00025%; no homozygotes.

Submissions (2):

Labcorp Genetics (formerly Invitae), Labcorp
Classification: Uncertain significance for Familial meningioma. Last evaluated: 2025-12-23. Review status: criteria provided, single submitter. Criteria: Invitae Variant Classification Sherloc (09022015). Collection method: clinical testing. Allele origin: germline.
Comment: This sequence change replaces serine, which is neutral and polar, with asparagine, which is neutral and polar, at codon 391 of the SMARCE1 protein (p.Ser391Asn). This variant is present in population databases (no rsID available, gnomAD 0.0009%). This variant has not been reported in the literature in individuals affected with SMARCE1-related conditions. ClinVar contains an entry for this variant (Variation ID: 1414631). An algorithm developed to predict the effect of missense changes on protein structure and function (PolyPhen-2) suggests that this variant is likely to be disruptive. In summary, the available evidence is currently insufficient to determine the role of this variant in disease. Therefore, it has been classified as a Variant of Uncertain Significance.

Ambry Genetics
Classification: Uncertain significance for Hereditary cancer-predisposing syndrome. Last evaluated: 2024-10-11. Review status: criteria provided, single submitter. Criteria: Ambry Variant Classification Scheme 2023. Collection method: clinical testing. Allele origin: germline.
Comment: The p.S391N variant (also known as c.1172G>A), located in coding exon 10 of the SMARCE1 gene, results from a G to A substitution at nucleotide position 1172. The serine at codon 391 is replaced by asparagine, an amino acid with highly similar properties. This amino acid position is conserved. In addition, this alteration is predicted to be tolerated by in silico analysis. Based on the available evidence, the clinical significance of this variant remains unclear.